The following is an entry in ClinVar:

NM_015175.3(NBEAL2):c.3907C>A (p.Pro1303Thr)

Gene: NBEAL2 (neurobeachin like 2; plus strand). Cytogenetic location: 3p21.31.
Variant type: single nucleotide variant.
Coding change: c.3907C>A on transcript NM_015175.3 (MANE Select); coding-DNA position 3907, C replaced by A.
Protein change: p.Pro1303Thr; replaces proline 1303 with threonine.
Molecular consequence: missense variant.
Genome position (GRCh38, 1-based): chr3:47,000,006, C>A. VCF-style: chr3-47000006-C-A. GRCh37 (hg19) VCF-style: chr3-47041496-C-A.
Other names: c.3805C>A, p.Pro1269Thr (NM_001365116.2); c.3907C>A (NM_015175.1); short protein forms P1269T, P1303T.
Identifiers: ClinVar variation 2572162 (VCV002572162.2), dbSNP rs769255839, ClinGen allele CA2361105.

ClinVar aggregate classification (germline): Uncertain significance. Review status: criteria provided, multiple submitters, no conflicts (2 of 4 stars). 2 submissions from 2 submitters: Uncertain significance (2). Last evaluated 2025-03-31.

Conditions:
Gray platelet syndrome (GPS). Also called: BLEEDING DISORDER, PLATELET-TYPE, 4. Identifiers: Orphanet 721, MedGen C0272302, MONDO:0007686, OMIM 139090.
Inborn genetic diseases. Identifiers: MedGen C0950123, MeSH D030342.

Submissions (2):

Ambry Genetics
Classification: Uncertain significance for Inborn genetic diseases. Last evaluated: 2025-03-31. Review status: criteria provided, single submitter. Criteria: Ambry Variant Classification Scheme 2023. Collection method: clinical testing. Allele origin: germline.

ISTH-SSC Genomics in Thrombosis and Hemostasis, KU Leuven, Center for Molecular and Vascular Biology
Classification: Uncertain significance for Gray platelet syndrome. Review status: criteria provided, single submitter. Criteria: ACMG Guidelines, 2015. Collection method: clinical testing. Allele origin: germline. Affected: yes. Observed: 1 homozygote.
Comment: Submitted to the GoldVariant database by Kathleen Freson, Center for Molecular and Vascular Biology